The following is an entry in ClinVar:

NC_000002.11:g.(?_71730344)_(71762441_?)del

Gene: DYSF (dysferlin; plus strand). Cytogenetic location: 2p13.2.
Variant type: Deletion.
Identifiers: ClinVar variation 3247373 (VCV003247373.1).

ClinVar aggregate classification (germline): Likely pathogenic (1 of 4 stars; one submission).

Conditions:
Neuromuscular disease caused by qualitative or quantitative defects of dysferlin. Also called: Qualitative or quantitative defects of dysferlin; Dysferlinopathy. Identifiers: Orphanet 207073, MedGen C2931687, MONDO:0016145.

Submission:

Labcorp Genetics (formerly Invitae), Labcorp
Classification: Likely pathogenic for Neuromuscular disease caused by qualitative or quantitative defects of dysferlin. Last evaluated: 2021-04-01. Review status: criteria provided, single submitter. Criteria: Invitae Variant Classification Sherloc (09022015). Collection method: clinical testing. Allele origin: unknown.
Comment: This variant is a gross deletion of the genomic region encompassing exon(s) 4-15 of the DYSF gene. This variant would be expected to be in-frame, preserving the integrity of the reading frame. In summary, the currently available evidence indicates that the variant is pathogenic, but additional data are needed to prove that conclusively. Therefore, this variant has been classified as Likely Pathogenic. This variant disrupts the p.Gly234 amino acid residue in DYSF. Other variant(s) that disrupt this residue have been determined to be pathogenic (PMID: 17070050, 18853459). This suggests that this residue is clinically significant, and that variants that disrupt this residue are likely to be disease-causing. This variant has been observed in individual(s) with limb-girdle muscular dystrophy (Invitae).

Literature cited by the submitters: PubMed 17070050; PubMed 18853459.